The following is an entry in ClinVar:

NM_004415.4(DSP):c.5903T>G (p.Phe1968Cys)

Gene: DSP (desmoplakin; plus strand). Cytogenetic location: 6p24.3.
Variant type: single nucleotide variant.
Coding change: c.5903T>G on transcript NM_004415.4 (MANE Select); coding-DNA position 5903, T replaced by G.
Protein change: p.Phe1968Cys; replaces phenylalanine 1968 with cysteine.
Molecular consequence: missense variant.
Genome position (GRCh38, 1-based): chr6:7,583,165, T>G. VCF-style: chr6-7583165-T-G. GRCh37 (hg19) VCF-style: chr6-7583398-T-G.
Other names: c.4106T>G, p.Phe1369Cys (NM_001008844.3); c.4574T>G, p.Phe1525Cys (NM_001319034.2); short protein forms F1525C, F1369C, F1968C.
Identifiers: ClinVar variation 927105 (VCV000927105.6), dbSNP rs1391409186, ClinGen allele CA362689663.

ClinVar aggregate classification (germline): Uncertain significance. Review status: criteria provided, multiple submitters, no conflicts (2 of 4 stars). 3 submissions from 3 submitters: Uncertain significance (3). Last evaluated 2024-11-17.

Conditions:
Cardiovascular phenotype. Identifiers: MedGen CN230736.
Cardiomyopathy (CMYO). Also called: Cardiomyopathies. Identifiers: Orphanet 167848, MedGen C0878544, MONDO:0004994, HP:0001638. Inheritance: Various modes of inheritance.

gnomAD v4.1: 3 of 1,613,912 alleles (0.00019%); highest among the groups gnomAD compares: Non-Finnish European, 0.000085%; no homozygotes.

Submissions (3):

Ambry Genetics
Classification: Uncertain significance for Cardiovascular phenotype. Last evaluated: 2024-11-17. Review status: criteria provided, single submitter. Criteria: Ambry Variant Classification Scheme 2023. Collection method: clinical testing. Allele origin: germline.
Comment: The p.F1968C variant (also known as c.5903T>G), located in coding exon 24 of the DSP gene, results from a T to G substitution at nucleotide position 5903. The phenylalanine at codon 1968 is replaced by cysteine, an amino acid with highly dissimilar properties. This amino acid position is conserved. In addition, this alteration is predicted to be deleterious by in silico analysis. Based on the available evidence, the clinical significance of this variant remains unclear.

Color Diagnostics, LLC DBA Color Health
Classification: Uncertain significance for Cardiomyopathy. Last evaluated: 2024-03-06. Review status: criteria provided, single submitter. Criteria: ACMG Guidelines, 2015. Collection method: clinical testing. Allele origin: germline.
Comment: This missense variant replaces phenylalanine with cysteine at codon 1968 of the DSP protein. Computational prediction suggests that this variant may have deleterious impact on protein structure and function (internally defined REVEL score threshold >= 0.7, PMID: 27666373). Splice site prediction tools suggest that this variant may not impact RNA splicing. To our knowledge, functional studies have not been performed for this variant. This variant has not been reported in individuals affected with cardiovascular disorders in the literature. This variant has been identified in 1/251294 chromosomes in the general population by the Genome Aggregation Database (gnomAD). The available evidence is insufficient to determine the role of this variant in disease conclusively. Therefore, this variant is classified as a Variant of Uncertain Significance.

AiLife Diagnostics
Classification: Uncertain significance. Last evaluated: 2021-08-11. Review status: criteria provided, single submitter. Criteria: ACMG Guidelines, 2015. Collection method: clinical testing. Allele origin: germline. Affected: yes. Observed: 1 variant allele.